The following is an entry in ClinVar:

ClinVar aggregate classification (germline): Conflicting classifications of pathogenicity. Review status: criteria provided, conflicting classifications (1 of 4 stars). 4 submissions from 4 submitters: Uncertain significance (3); Likely benign (1). Last evaluated 2025-06-15.

Conditions:
Insulin-dependent diabetes mellitus secretory diarrhea syndrome (IPEX). Also called: Immunodysregulation, polyendocrinopathy, and enteropathy, X-linked; X-Linked Autoimmunity-Allergic Dysregulation Syndrome; IPEX and IPEX-Like; IMMUNODEFICIENCY, POLYENDOCRINOPATHY, AND ENTEROPATHY, X-LINKED; Immune dysregulation-polyendocrinopathy-enteropathy-X-linked syndrome; Immunodeficiency, Polyendocrinopathy, and Enteropathy X-Linked Syndrome. Identifiers: Orphanet 37042, MedGen C0342288, MONDO:0010580, OMIM 304790. Disease mechanism: loss of function.

Allele frequency attached by ClinVar (database versions not stated): gnomAD 0.00001; gnomAD exomes 0.00001 and 0.00004; TOPMed 0.00002; ExAC 0.00005; 1000 Genomes Project 30x 0.00021; 1000 Genomes Project 0.00026.

Submissions (4):

Labcorp Genetics (formerly Invitae), Labcorp
Classification: Uncertain significance for Insulin-dependent diabetes mellitus secretory diarrhea syndrome. Last evaluated: 2025-06-15. Review status: criteria provided, single submitter. Criteria: Invitae Variant Classification Sherloc (09022015). Collection method: clinical testing. Allele origin: germline.
Comment: This sequence change replaces arginine, which is basic and polar, with glutamine, which is neutral and polar, at codon 309 of the FOXP3 protein (p.Arg309Gln). This variant is present in population databases (rs782731811, gnomAD 0.02%). This variant has not been reported in the literature in individuals affected with FOXP3-related conditions. ClinVar contains an entry for this variant (Variation ID: 850696). Invitae Evidence Modeling of protein sequence and biophysical properties (such as structural, functional, and spatial information, amino acid conservation, physicochemical variation, residue mobility, and thermodynamic stability) indicates that this missense variant is not expected to disrupt FOXP3 protein function with a negative predictive value of 80%. In summary, the available evidence is currently insufficient to determine the role of this variant in disease. Therefore, it has been classified as a Variant of Uncertain Significance.

Fulgent Genetics
Classification: Uncertain significance for Insulin-dependent diabetes mellitus secretory diarrhea syndrome. Last evaluated: 2024-05-13. Review status: criteria provided, single submitter. Criteria: ACMG Guidelines, 2015. Collection method: clinical testing. Allele origin: germline.

CeGaT Center for Human Genetics Tuebingen
Classification: Likely benign. Last evaluated: 2022-01-01. Review status: criteria provided, single submitter. Criteria: CeGaT Center For Human Genetics Tuebingen Variant Classification Criteria Version 2. Collection method: clinical testing. Allele origin: germline. Affected: yes. Observed: 1 variant allele.

Blueprint Genetics
Classification: Uncertain significance. Last evaluated: 2021-11-10. Review status: criteria provided, single submitter. Criteria: ACMG Guidelines, 2015. Collection method: clinical testing. Allele origin: germline.

NM_014009.4(FOXP3):c.926G>A (p.Arg309Gln)

Gene: FOXP3 (forkhead box P3; minus strand). Cytogenetic location: Xp11.23.
Variant type: single nucleotide variant.
Coding change: c.926G>A on transcript NM_014009.4 (MANE Select); coding-DNA position 926, G replaced by A.
Protein change: p.Arg309Gln; replaces arginine 309 with glutamine.
Molecular consequence: missense variant.
Genome position (GRCh38, 1-based): chrX:49,253,958, C>T on the plus strand (G>A on the coding strand, the complement: FOXP3 is on the minus strand). VCF-style: chrX-49253958-C-T. GRCh37 (hg19) VCF-style: chrX-49110419-C-T.
Other names: c.821G>A, p.Arg274Gln (NM_001114377.2); short protein forms R309Q, R274Q.
Identifiers: ClinVar variation 850696 (VCV000850696.42), dbSNP rs782731811, ClinGen allele CA10411709.